The following is an entry in ClinVar:

ClinVar aggregate classification (germline): Uncertain significance. Review status: criteria provided, multiple submitters, no conflicts (2 of 4 stars). 2 submissions from 2 submitters: Uncertain significance (2). Last evaluated 2023-03-29.

Conditions:
Dilated cardiomyopathy 1O (CMD1O). Also called: CARDIOMYOPATHY, DILATED, WITH VENTRICULAR TACHYCARDIA. Identifiers: Orphanet 154, MedGen C1837839, MONDO:0012062, OMIM 608569.

Allele frequency attached by ClinVar (database versions not stated): gnomAD exomes below 0.00001; TOPMed below 0.00001.
gnomAD v4.1: 3 of 1,586,462 alleles (0.00019%); highest among the groups gnomAD compares: Non-Finnish European, 0.00026%; no homozygotes.

Submissions (2):

Labcorp Genetics (formerly Invitae), Labcorp
Classification: Uncertain significance for Dilated cardiomyopathy 1O. Last evaluated: 2023-03-29. Review status: criteria provided, single submitter. Criteria: Invitae Variant Classification Sherloc (09022015). Collection method: clinical testing. Allele origin: germline.
Comment: In summary, the available evidence is currently insufficient to determine the role of this variant in disease. Therefore, it has been classified as a Variant of Uncertain Significance. Advanced modeling of protein sequence and biophysical properties (such as structural, functional, and spatial information, amino acid conservation, physicochemical variation, residue mobility, and thermodynamic stability) performed at Invitae indicates that this missense variant is not expected to disrupt ABCC9 protein function. This variant has not been reported in the literature in individuals affected with ABCC9-related conditions. This variant is not present in population databases (gnomAD no frequency). This sequence change replaces threonine, which is neutral and polar, with asparagine, which is neutral and polar, at codon 744 of the ABCC9 protein (p.Thr744Asn).

CeGaT Center for Human Genetics Tuebingen
Classification: Uncertain significance. Last evaluated: 2022-09-01. Review status: criteria provided, single submitter. Criteria: CeGaT Center For Human Genetics Tuebingen Variant Classification Criteria Version 2. Collection method: clinical testing. Allele origin: germline. Affected: yes. Observed: 1 variant allele.
Comment: ABCC9: PM2, PP2, BP4

NM_020297.4(ABCC9):c.2231C>A (p.Thr744Asn)

Gene: ABCC9 (ATP binding cassette subfamily C member 9; minus strand). Cytogenetic location: 12p12.1.
Variant type: single nucleotide variant.
Coding change: c.2231C>A on transcript NM_020297.4 (MANE Select); coding-DNA position 2231, C replaced by A.
Protein change: p.Thr744Asn; replaces threonine 744 with asparagine.
Molecular consequence: missense variant.
Genome position (GRCh38, 1-based): chr12:21,864,445, G>T on the plus strand (C>A on the coding strand, the complement: ABCC9 is on the minus strand). VCF-style: chr12-21864445-G-T. GRCh37 (hg19) VCF-style: chr12-22017379-G-T.
Other names: c.2231C>A, p.Thr744Asn (NM_001377273.1, NM_005691.4); c.1367C>A, p.Thr456Asn (NM_001377274.1); short protein forms T456N, T744N.
Identifiers: ClinVar variation 2642780 (VCV002642780.27), dbSNP rs1945683126, ClinGen allele CA384130415.